The following is an entry in ClinVar:

ClinVar aggregate classification (germline): Pathogenic (1 of 4 stars; one submission).

Submission:

Quest Diagnostics Nichols Institute San Juan Capistrano
Classification: Pathogenic. Last evaluated: 2026-06-05. Review status: criteria provided, single submitter. Criteria: ACMG/ClinGen CNV Guidelines, 2019. Collection method: clinical testing. Allele origin: unknown.
Comment: This copy number loss involves TMEM127 (OMIM 613403) and is consistent with the 2q11.2 recurrent region (ISCA-37495). Recurrent heterozygous deletions of this 2q11.2 recurrent region have been reported in individuals with a range of neurodevelopmental disorders including autism, intellectual disability (ID), developmental delay (DD), schizophrenia, and attention deficit/hyperactivity disorder (ADHD; ISCA-37495, Krumm 2015, Kushima 2018, Riley 2015, Rudd 2009, Wright 2015). Dysmorphic features such as midface hypoplasia and scoliosis have also been documented in some individuals. In addition, two studies have reported enrichment of 2q11.2 deletions in schizophrenia and ID/DD cases compared to controls (Coe 2014, Rees 2016). Of note, the presence of this deletion in reportedly unaffected carriers and inheritance from a mildly affected parent are consistent with reduced penetrance and/or variable phenotypic expressivity (Kendall 2019, Riley 2015). This interval contains multiple protein-coding genes with provisional or established OMIM phenotype associations, including STARD7 (OMIM 616712), SNRNP200 (OMIM 601664), and LMAN2L (OMIM 609552). Additionally, nonsense, frameshift, and splice site variants of TMEM127 are associated with autosomal dominant familial pheochromocytoma, paraganglioma and renal cell carcinomas, with reduced penetrance and variable expressivity (CCID:008012). Notably, heterozygous deletions have not yet been reported in association with this phenotype. Thus, based on current medical literature, this copy number variant (CNV) is classified as likely pathogenic with reduced penetrance and variable expressivity.

Literature cited by the submitters: PubMed 25217958; PubMed 30767844; PubMed 25961944; PubMed 30208311; PubMed 27602560; PubMed 26227573; PubMed 19443486.

GRCh37/hg19 2q11.1-11.2(chr2:96544602-98138405)x1

Genes: ADRA2B (adrenoceptor alpha 2B; minus strand), ANKRD23 (ankyrin repeat domain 23; minus strand), ANKRD36 (ankyrin repeat domain 36; plus strand), ANKRD36B (ankyrin repeat domain 36B; minus strand), ANKRD36C (ankyrin repeat domain 36C; minus strand) and 19 more. Cytogenetic location: 2q11.1-11.2.
Variant type: copy number loss.
Change: copy number 1 (one copy instead of two) of chr2:96,544,602-98,138,405 (1.59 Mb, GRCh37 coordinates, 1-based), cytogenetic band 2q11.1-11.2.
Identifiers: ClinVar variation 562643 (VCV000562643.2).